The following is an entry in ClinVar:

ClinVar aggregate classification (germline): Pathogenic (1 of 4 stars; one submission).

Submission:

Labcorp Genetics (formerly Invitae), Labcorp
Classification: Pathogenic. Last evaluated: 2019-11-15. Review status: criteria provided, single submitter. Criteria: Invitae Variant Classification Sherloc (09022015). Collection method: clinical testing. Allele origin: germline.
Comment: This variant is an in-frame deletion of the genomic region encompassing exons 2-3 of the PRKN gene. It preserves the integrity of the reading frame. This variant has been reported in the compound heterozygous state in several individuals affected with early-onset Parkinson's disease (PMID: 21215313, 17914726, 23880019, 10824074). For these reasons, this variant has been classified as Pathogenic.

Literature cited by the submitters: PubMed 21215313; PubMed 23880019; PubMed 10824074; PubMed 17914726.

NC_000006.12:g.(?_162262515)_(162443487_?)del

Gene: PRKN (parkin RBR E3 ubiquitin protein ligase; minus strand). Cytogenetic location: 6q26.
Variant type: Deletion.
Identifiers: ClinVar variation 656296 (VCV000656296.2).